The following is an entry in ClinVar:

ClinVar aggregate classification (germline): Benign (1 of 4 stars; one submission).

Allele frequency attached by ClinVar (database versions not stated): gnomAD 0.07279 and 0.07737; ESP Exome Variant Server 0.07397; TOPMed 0.08153; 1000 Genomes Project 0.08486; 1000 Genomes Project 30x 0.09166.
gnomAD v4.1: 18,796 of 1,020,406 alleles (1.8%); highest among the groups gnomAD compares: African/African-American, 25%; 2,047 homozygotes.

Submission:

GeneDx
Classification: Benign. Last evaluated: 2018-06-19. Review status: criteria provided, single submitter. Criteria: GeneDx Variant Classification (06012015). Collection method: clinical testing. Allele origin: germline. Affected: yes.
Comment: This variant is considered likely benign or benign based on one or more of the following criteria: it is a conservative change, it occurs at a poorly conserved position in the protein, it is predicted to be benign by multiple in silico algorithms, and/or has population frequency not consistent with disease.

NM_022726.4(ELOVL4):c.369+56C>T

Gene: ELOVL4 (ELOVL fatty acid elongase 4; minus strand). Cytogenetic location: 6q14.1.
Variant type: single nucleotide variant.
Coding change: c.369+56C>T on transcript NM_022726.4 (MANE Select); 56 bases into the intron after coding-DNA position 369, C replaced by T.
Molecular consequence: intron variant.
Genome position (GRCh38, 1-based): chr6:79,924,896, G>A on the plus strand (C>T on the coding strand, the complement: ELOVL4 is on the minus strand). VCF-style: chr6-79924896-G-A. GRCh37 (hg19) VCF-style: chr6-80634613-G-A.
Identifiers: ClinVar variation 675835 (VCV000675835.1), dbSNP rs343626, ClinGen allele CA142271455.